The following is an entry in ClinVar:

NM_012144.4(DNAI1):c.1253C>G (p.Ser418Cys)

Gene: DNAI1 (dynein axonemal intermediate chain 1; plus strand). Cytogenetic location: 9p13.3.
Variant type: single nucleotide variant.
Coding change: c.1253C>G on transcript NM_012144.4 (MANE Select); coding-DNA position 1253, C replaced by G.
Protein change: p.Ser418Cys; replaces serine 418 with cysteine.
Molecular consequence: missense variant.
Genome position (GRCh38, 1-based): chr9:34,506,816, C>G. VCF-style: chr9-34506816-C-G. GRCh37 (hg19) VCF-style: chr9-34506814-C-G.
Other names: c.1265C>G, p.Ser422Cys (NM_001281428.2); c.1253C>G (NM_012144.2); short protein forms S418C, S422C.
Identifiers: ClinVar variation 1983322 (VCV001983322.4), dbSNP rs766607013, ClinGen allele CA5034329.

ClinVar aggregate classification (germline): Uncertain significance. Review status: criteria provided, multiple submitters, no conflicts (2 of 4 stars). 2 submissions from 2 submitters: Uncertain significance (2). Last evaluated 2024-01-18.

Conditions:
Primary ciliary dyskinesia. Also called: Ciliary dyskinesia. Identifiers: Orphanet 244, MedGen C0008780, MONDO:0016575, HP:0012265.

Allele frequency attached by ClinVar (database versions not stated): ExAC 0.00002; TOPMed 0.00003.
gnomAD v4.1: 23 of 1,614,180 alleles (0.0014%); highest among the groups gnomAD compares: Non-Finnish European, 0.0018%; no homozygotes.

Submissions (2):

Labcorp Genetics (formerly Invitae), Labcorp
Classification: Uncertain significance for Primary ciliary dyskinesia. Last evaluated: 2024-01-18. Review status: criteria provided, single submitter. Criteria: Invitae Variant Classification Sherloc (09022015). Collection method: clinical testing. Allele origin: germline.
Comment: This sequence change replaces serine, which is neutral and polar, with cysteine, which is neutral and slightly polar, at codon 418 of the DNAI1 protein (p.Ser418Cys). This variant is present in population databases (rs766607013, gnomAD 0.003%). This variant has not been reported in the literature in individuals affected with DNAI1-related conditions. ClinVar contains an entry for this variant (Variation ID: 1983322). Advanced modeling of protein sequence and biophysical properties (such as structural, functional, and spatial information, amino acid conservation, physicochemical variation, residue mobility, and thermodynamic stability) has been performed at Invitae for this missense variant, however the output from this modeling did not meet the statistical confidence thresholds required to predict the impact of this variant on DNAI1 protein function. In summary, the available evidence is currently insufficient to determine the role of this variant in disease. Therefore, it has been classified as a Variant of Uncertain Significance.

Ambry Genetics
Classification: Uncertain significance for Primary ciliary dyskinesia. Last evaluated: 2023-03-02. Review status: criteria provided, single submitter. Criteria: Ambry Variant Classification Scheme 2023. Collection method: clinical testing. Allele origin: germline.